The following is an entry in ClinVar:

ClinVar aggregate classification (germline): Uncertain significance (1 of 4 stars; one submission).

Conditions:
Lissencephaly 9 with complex brainstem malformation. Identifiers: Orphanet 572013, MedGen C5193029, MONDO:0032677, OMIM 618325.

gnomAD v4.1: 1 of 1,614,068 alleles (0.000062%); highest among the groups gnomAD compares: African/African-American, 0.0013%; no homozygotes.

Submission:

3billion
Classification: Uncertain significance for Lissencephaly 9 with complex brainstem malformation. Last evaluated: 2023-07-05. Review status: criteria provided, single submitter. Criteria: ACMG Guidelines, 2015. Collection method: clinical testing. Allele origin: germline. Affected: yes.
Comment: The variant is not observed in the gnomAD v2.1.1 dataset. Predicted Consequence/Location: Missense variant In silico tool predictions suggest damaging effect of the variant on gene or gene product (REVEL: 0.81; 3Cnet: 0.34). Therefore, this variant is classified as VUS according to the recommendation of ACMG/AMP guideline.

NM_001394062.1(MACF1):c.2861C>T (p.Ser954Phe)

Gene: MACF1 (microtubule actin crosslinking factor 1; plus strand). Cytogenetic location: 1p34.3.
Variant type: single nucleotide variant.
Coding change: c.2861C>T on transcript NM_001394062.1 (MANE Select); coding-DNA position 2861, C replaced by T.
Protein change: p.Ser954Phe; replaces serine 954 with phenylalanine.
Molecular consequence: missense variant.
Genome position (GRCh38, 1-based): chr1:39,309,641, C>T. VCF-style: chr1-39309641-C-T. GRCh37 (hg19) VCF-style: chr1-39775313-C-T.
Other names: c.2876C>T, p.Ser959Phe (NM_012090.5); short protein forms S954F, S959F.
Identifiers: ClinVar variation 3775324 (VCV003775324.1).